The following is an entry in ClinVar:

NM_001855.5(COL15A1):c.3140G>A (p.Gly1047Asp)

Gene: COL15A1 (collagen type XV alpha 1 chain; plus strand). Cytogenetic location: 9q22.33.
Variant type: single nucleotide variant.
Coding change: c.3140G>A on transcript NM_001855.5 (MANE Select); coding-DNA position 3140, G replaced by A.
Protein change: p.Gly1047Asp; replaces glycine 1047 with aspartic acid.
Molecular consequence: missense variant.
Genome position (GRCh38, 1-based): chr9:99,055,320, G>A. VCF-style: chr9-99055320-G-A. GRCh37 (hg19) VCF-style: chr9-101817602-G-A.
Other names: short protein forms G1047D.
Identifiers: ClinVar variation 3045785 (VCV003045785.2), dbSNP rs140199394, ClinGen allele CA5155762.

ClinVar aggregate classification (germline): Likely benign (0 of 4 stars; one submission).

Conditions:
COL15A1-related disorder. Also called: COL15A1-related condition.

Allele frequency attached by ClinVar (database versions not stated): TOPMed 0.00167; 1000 Genomes Project 30x 0.00187; 1000 Genomes Project 0.00200; ESP Exome Variant Server 0.00208; gnomAD exomes 0.00316; gnomAD 0.00414; ExAC 0.00453.
gnomAD v4.1: 5,239 of 1,613,946 alleles (0.32%); highest among the groups gnomAD compares: Middle Eastern, 0.33%; 35 homozygotes.

Submission:

PreventionGenetics, part of Exact Sciences
Classification: Likely benign for COL15A1-related condition. Last evaluated: 2019-03-05. Review status: no assertion criteria provided. Collection method: clinical testing. Allele origin: germline.
Comment: This variant is classified as likely benign based on ACMG/AMP sequence variant interpretation guidelines (Richards et al. 2015 PMID: 25741868, with internal and published modifications).